The following is an entry in ClinVar:

NM_000834.5(GRIN2B):c.2098G>C (p.Ala700Pro)

Gene: GRIN2B (glutamate ionotropic receptor NMDA type subunit 2B; minus strand). Cytogenetic location: 12p13.1.
Variant type: single nucleotide variant.
Coding change: c.2098G>C on transcript NM_000834.5 (MANE Select); coding-DNA position 2098, G replaced by C.
Protein change: p.Ala700Pro; replaces alanine 700 with proline.
Molecular consequence: missense variant.
Genome position (GRCh38, 1-based): chr12:13,571,877, C>G on the plus strand (G>C on the coding strand, the complement: GRIN2B is on the minus strand). VCF-style: chr12-13571877-C-G. GRCh37 (hg19) VCF-style: chr12-13724811-C-G.
Other names: c.2098G>C (NM_000834.3); short protein forms A700P.
Identifiers: ClinVar variation 1719266 (VCV001719266.8), dbSNP rs2497485735, ClinGen allele CA383999269.
Genomic context (GRCh38, chr12:13,571,877, plus strand): 5'-AGAGCAATGCATCATCTACACCCCTCTGGTTGAACTTTCCCATGTAGGCATGCATTTCTG[C>G]ATAGTTATTGCGAATATTTCTCTCTGTGCTGCCGTTGGGCACGGTCCCAAAGCGGAAAGG-3'
Protein context (NP_000825.2, residues 690-710): STERNIRNNY[Ala700Pro]EMHAYMGKFN

ClinVar aggregate classification (germline): Uncertain significance. Review status: criteria provided, multiple submitters, no conflicts (2 of 4 stars). 2 submissions from 2 submitters: Uncertain significance (2). Last evaluated 2026-09-21.

Conditions:
Intellectual developmental disorder, autosomal dominant 6, with or without seizures. Also called: GRIN2B-related developmental delay, intellectual disability and autism spectrum disorder; Intellectual disability, autosomal dominant 6. Identifiers: Orphanet 589547, MedGen C3151411, MONDO:0013509, OMIM 613970.
Developmental and epileptic encephalopathy, 27 (DEE27). Also called: GRIN2B-Related Neurodevelopmental Disorder; Epileptic encephalopathy, early infantile, 27. Identifiers: Orphanet 3451, MedGen C4015316, MONDO:0014505, OMIM 616139.

Submissions (2):

GeneDx
Classification: Uncertain significance. Last evaluated: 2026-09-21. Review status: criteria provided, single submitter. Criteria: GeneDx Variant Classification Process June 2021. Collection method: clinical testing. Allele origin: germline.
Comment: In silico analysis supports that this missense variant has a deleterious effect on protein structure/function; Has not been previously published as pathogenic or benign to our knowledge; This variant is associated with the following publications: (PMID: 27839871)

Labcorp Genetics (formerly Invitae), Labcorp
Classification: Uncertain significance for Developmental and epileptic encephalopathy, 27; Intellectual developmental disorder, autosomal dominant 6, with or without seizures. Last evaluated: 2022-09-29. Review status: criteria provided, single submitter. Criteria: Invitae Variant Classification Sherloc (09022015). Collection method: clinical testing. Allele origin: germline.
Comment: This sequence change replaces alanine, which is neutral and non-polar, with proline, which is neutral and non-polar, at codon 700 of the GRIN2B protein (p.Ala700Pro). This variant has not been reported in the literature in individuals affected with GRIN2B-related conditions. In summary, the available evidence is currently insufficient to determine the role of this variant in disease. Therefore, it has been classified as a Variant of Uncertain Significance. Advanced modeling of protein sequence and biophysical properties (such as structural, functional, and spatial information, amino acid conservation, physicochemical variation, residue mobility, and thermodynamic stability) performed at Invitae indicates that this missense variant is not expected to disrupt GRIN2B protein function. This variant is not present in population databases (gnomAD no frequency).